The following is an entry in ClinVar:

NM_001710.6(CFB):c.94C>G (p.Arg32Gly)

Gene: CFB (complement factor B; plus strand). Cytogenetic location: 6p21.33.
Variant type: single nucleotide variant.
Coding change: c.94C>G on transcript NM_001710.6 (MANE Select); coding-DNA position 94, C replaced by G.
Protein change: p.Arg32Gly; replaces arginine 32 with glycine.
Molecular consequence: missense variant.
Genome position (GRCh38, 1-based): chr6:31,946,402, C>G. VCF-style: chr6-31946402-C-G. GRCh37 (hg19) VCF-style: chr6-31914179-C-G.
Other names: short protein forms R32G.
Identifiers: ClinVar variation 4280392 (VCV004280392.1).

ClinVar aggregate classification (germline): Uncertain significance (1 of 4 stars; one submission).

Conditions:
Atypical hemolytic-uremic syndrome. Identifiers: Orphanet 2134, MedGen C2931788, MONDO:0016244.

gnomAD v4.1: 2 of 1,612,922 alleles (0.00012%); highest among the groups gnomAD compares: South Asian, 0.0011%; no homozygotes.

Submission:

Genomenon, Inc
Classification: Uncertain significance for Atypical hemolytic-uremic syndrome. Last evaluated: 2025-09-26. Review status: criteria provided, single submitter. Criteria: Genomenon Sequence Variant Interpretation Standards - Updated. Collection method: curation. Allele origin: germline. Affected: no.
Comment: CFB p.Arg32Gly (c.94C>G) is a missense variant that changes the amino acid at residue 32 from Arginine to Glycine. To our knowledge, this variant has not been reported in patients affected with atypical hemolytic-uremic syndrome in the published literature. It is absent or not present at a significant frequency in gnomAD. In silico models agree that this variant is not damaging. In conclusion, we classify CFB p.Arg32Gly (c.94C>G) as a variant of uncertain significance.